The following is an entry in ClinVar:

NM_001031710.3(KLHL7):c.976C>T (p.Arg326Ter)

Gene: KLHL7 (kelch like family member 7; plus strand). Cytogenetic location: 7p15.3.
Variant type: single nucleotide variant.
Coding change: c.976C>T on transcript NM_001031710.3 (MANE Select); coding-DNA position 976, C replaced by T.
Protein change: p.Arg326Ter; replaces arginine 326 with a stop codon.
Molecular consequence: nonsense. On other transcripts: non-coding transcript variant (1).
Genome position (GRCh38, 1-based): chr7:23,165,737, C>T. VCF-style: chr7-23165737-C-T. GRCh37 (hg19) VCF-style: chr7-23205356-C-T.
Other names: c.832C>T, p.Arg278Ter (NM_018846.5); short protein forms R326*, R278*.
Identifiers: ClinVar variation 279824 (VCV000279824.15), dbSNP rs77078070, ClinGen allele CA4186536.

ClinVar aggregate classification (germline): Conflicting classifications of pathogenicity. Review status: criteria provided, conflicting classifications (1 of 4 stars). 8 submissions from 8 submitters: Pathogenic (4); Likely pathogenic (2); Uncertain significance (1). 1 of the submissions does not count toward it. Last evaluated 2025-01-30.

Conditions:
Bohring-Opitz-like syndrome.
PERCHING syndrome (PERCHING). Also called: Cold-induced sweating syndrome 3. Identifiers: Orphanet 157820, Orphanet 603684, MedGen C4310742, MONDO:0014890, OMIM 617055.
KLHL7-related disorder. Also called: KLHL7-related disorders; KLHL7-related condition.
Retinal dystrophy. Also called: Inherited retinal dystrophy. Identifiers: Orphanet 71862, MedGen C0854723, MeSH D058499, MONDO:0019118, HP:0000556.

Allele frequency attached by ClinVar (database versions not stated): TOPMed below 0.00001; gnomAD 0.00001; gnomAD exomes 0.00001; ExAC 0.00002.
gnomAD v4.1: 33 of 1,613,950 alleles (0.002%); highest among the groups gnomAD compares: Admixed American, 0.0067%; no homozygotes.

Submissions (8):

GeneDx
Classification: Pathogenic. Last evaluated: 2025-01-30. Review status: criteria provided, single submitter. Criteria: GeneDx Variant Classification Process June 2021. Collection method: clinical testing. Allele origin: germline. Affected: yes.
Comment: Nonsense variant predicted to result in protein truncation or nonsense mediated decay in a gene for which loss of function is a known mechanism of disease; This variant is associated with the following publications: (PMID: 36801247, 30300710, 38642551)

Blueprint Genetics
Classification: Likely pathogenic for KLHL7-related disorders. Last evaluated: 2024-11-13. Review status: criteria provided, single submitter. Criteria: ACMG Guidelines, 2015. Collection method: clinical testing. Allele origin: germline. Affected: yes. Observed: 2 variant alleles.

Labcorp Genetics (formerly Invitae), Labcorp
Classification: Pathogenic. Last evaluated: 2024-10-28. Review status: criteria provided, single submitter. Criteria: Invitae Variant Classification Sherloc (09022015). Collection method: clinical testing. Allele origin: germline.
Comment: This sequence change creates a premature translational stop signal (p.Arg326*) in the KLHL7 gene. It is expected to result in an absent or disrupted protein product. Loss-of-function variants in KLHL7 are known to be pathogenic (PMID: 27392078, 29074562, 30426380, 31953236). The frequency data for this variant in the population databases is considered unreliable, as metrics indicate poor data quality at this position in the gnomAD database. This premature translational stop signal has been observed in individual(s) with autosomal recessive KLHL7-related conditions (PMID: 30300710). ClinVar contains an entry for this variant (Variation ID: 279824). For these reasons, this variant has been classified as Pathogenic.

Dept Of Ophthalmology, Nagoya University
Classification: Uncertain significance for Retinal dystrophy. Last evaluated: 2023-10-01. Review status: criteria provided, single submitter. Criteria: Submitter's publication. Collection method: research. Allele origin: germline. Affected: yes.

Institute of Medical Genetics and Applied Genomics, University Hospital Tübingen
Classification: Pathogenic. Last evaluated: 2020-10-23. Review status: criteria provided, single submitter. Criteria: ACMG Guidelines, 2015. Collection method: clinical testing. Allele origin: germline. Inheritance: Autosomal dominant inheritance. Affected: yes.

Pediatric Genomics Discovery Program, Yale University
Classification: Likely pathogenic for Cold-induced sweating syndrome 3; Bohring-Opitz-like syndrome. Last evaluated: 2018-10-24. Review status: criteria provided, single submitter. Criteria: ACMG Guidelines, 2015. Collection method: research. Allele origin: germline. Inheritance: Autosomal recessive inheritance. Affected: yes. Observed: 2 homozygotes. Clinical features observed: Low-set, posteriorly rotated ears (HP:0000368), Microcephaly (HP:0000252), Microretrognathia (HP:0000308), Abnormality of the thumb (HP:0001172), Abnormality of toe (HP:0001780), Limb hypertonia (HP:0002509), Muscular hypotonia of the trunk (HP:0008936), Cleft palate (HP:0000175), abnormal palmar creases, Midface retrusion (HP:0011800), High palate (HP:0000218), Gastrostomy tube feeding in infancy (HP:0011471), and 14 more.
Comment: This homozygous variant was identified in two Hispanic siblings who have overlapping features with those previously described as having a phenotype similar to that of Crisponi syndrome (CS)/cold-induced sweating syndrome-1 (Angius et al, 2016; PMID: 27392078) and a Bohring-Opitz syndrome (BOS)-like phenotype (Bruel et al, 2017; PMID: 29074562). Truncating variants in KLHL7 have been reported in both CS-like and BOS-like phenotypes, which share a number of overlapping clinical features.

Neuberg Centre For Genomic Medicine, NCGM
Classification: Pathogenic for PERCHING syndrome. Review status: criteria provided, single submitter. Criteria: ACMG Guidelines, 2015. Collection method: clinical testing. Allele origin: germline. Affected: yes.
Comment: The stop gained p.R326* in KLHL7 (NM_001031710.3) has been previously reported in individuals affected with Perching Syndrome (Jeffries et al, 2019). This variant is predicted to cause loss of normal protein function through protein truncation. The p.R326* variant is a loss of function variant in the gene KLHL7, which is intolerant of Loss of Function variants. The nucleotide change in KLHL7 is predicted as conserved by GERP++ and PhyloP across 100 vertebrates. For these reasons, this variant has been classified as Pathogenic.

OMIM
Classification: Pathogenic for PERCHING SYNDROME. Last evaluated: 2020-01-09. Review status: no assertion criteria provided. Collection method: literature only. Allele origin: germline. Not counted in ClinVar's aggregate classification.

Literature cited by the submitters: PubMed 27392078 (cited by Labcorp Genetics (formerly Invitae), Labcorp); PubMed 29074562 (cited by Labcorp Genetics (formerly Invitae), Labcorp); PubMed 30426380 (cited by Labcorp Genetics (formerly Invitae), Labcorp); PubMed 31953236 (cited by Labcorp Genetics (formerly Invitae), Labcorp); PubMed 30300710 (cited by Labcorp Genetics (formerly Invitae), Labcorp and OMIM).